The following is an entry in ClinVar:

NM_021072.4(HCN1):c.897del (p.Phe299fs)

Gene: HCN1 (hyperpolarization activated cyclic nucleotide gated potassium channel 1; minus strand). Cytogenetic location: 5p12.
Variant type: Deletion.
Coding change: c.897del on transcript NM_021072.4 (MANE Select); coding-DNA position 897, one base deleted (T; older notation c.897delT).
Protein change: p.Phe299fs; shifts the reading frame from phenylalanine 299.
Molecular consequence: frameshift variant.
Genome position (GRCh38, 1-based): chr5:45,461,960, A deleted on the plus strand (T on the coding strand, the reverse complement: HCN1 is on the minus strand); the first of 5 consecutive A bases (chr5:45,461,960-45,461,964); deleting any one gives the same sequence. VCF-style (leftmost placement, unchanged base first): chr5-45461959-TA-T. GRCh37 (hg19) VCF-style: chr5-45462061-TA-T.
Other names: short protein forms F299fs.
Identifiers: ClinVar variation 2574900 (VCV002574900.2), dbSNP rs2478145412, ClinGen allele CA2573334438.

ClinVar aggregate classification (germline): Uncertain significance (1 of 4 stars; one submission).

Submission:

GeneDx
Classification: Uncertain significance. Last evaluated: 2024-07-24. Review status: criteria provided, single submitter. Criteria: GeneDx Variant Classification Process June 2021. Collection method: clinical testing. Allele origin: germline. Affected: yes.
Comment: Frameshift variant predicted to result in protein truncation or nonsense mediated decay in a gene or region of a gene for which loss of function is not a well-established mechanism of disease; Not observed at significant frequency in large population cohorts (gnomAD); Has not been previously published as pathogenic or benign to our knowledge